The following is an entry in ClinVar:

NM_001142864.4(PIEZO1):c.5284C>T (p.Arg1762Cys)

Gene: PIEZO1 (piezo type mechanosensitive ion channel component 1 (Er blood group); minus strand). Cytogenetic location: 16q24.3.
Variant type: single nucleotide variant.
Coding change: c.5284C>T on transcript NM_001142864.4 (MANE Select); coding-DNA position 5284, C replaced by T.
Protein change: p.Arg1762Cys; replaces arginine 1762 with cysteine.
Molecular consequence: missense variant.
Genome position (GRCh38, 1-based): chr16:88,721,657, G>A on the plus strand (C>T on the coding strand, the complement: PIEZO1 is on the minus strand). VCF-style: chr16-88721657-G-A. GRCh37 (hg19) VCF-style: chr16-88788065-G-A.
Other names: short protein forms R1762C.
Identifiers: ClinVar variation 1519339 (VCV001519339.8), dbSNP rs1184084921, ClinGen allele CA397092144.

ClinVar aggregate classification (germline): Uncertain significance. Review status: criteria provided, multiple submitters, no conflicts (2 of 4 stars). 2 submissions from 2 submitters: Uncertain significance (2). Last evaluated 2025-03-04.

Allele frequency attached by ClinVar (database versions not stated): gnomAD 0.00001; gnomAD exomes 0.00001; TOPMed 0.00002.
gnomAD v4.1: 11 of 1,549,874 alleles (0.00071%); highest among the groups gnomAD compares: East Asian, 0.0024%; no homozygotes.

Submissions (2):

Center for Genomic Medicine, Rigshospitalet, Copenhagen University Hospital
Classification: Uncertain significance. Last evaluated: 2025-03-04. Review status: criteria provided, single submitter. Criteria: ACMG Guidelines, 2015. Collection method: clinical testing. Allele origin: germline.

Labcorp Genetics (formerly Invitae), Labcorp
Classification: Uncertain significance. Last evaluated: 2021-09-30. Review status: criteria provided, single submitter. Criteria: Invitae Variant Classification Sherloc (09022015). Collection method: clinical testing. Allele origin: germline.
Comment: In summary, the available evidence is currently insufficient to determine the role of this variant in disease. Therefore, it has been classified as a Variant of Uncertain Significance. Advanced modeling of protein sequence and biophysical properties (such as structural, functional, and spatial information, amino acid conservation, physicochemical variation, residue mobility, and thermodynamic stability) performed at Invitae indicates that this missense variant is not expected to disrupt PIEZO1 protein function. This variant has not been reported in the literature in individuals affected with PIEZO1-related conditions. This variant is not present in population databases (ExAC no frequency). This sequence change replaces arginine with cysteine at codon 1762 of the PIEZO1 protein (p.Arg1762Cys). The arginine residue is moderately conserved and there is a large physicochemical difference between arginine and cysteine.

Literature cited by the submitters: PubMed 31968259 (cited by Center for Genomic Medicine, Rigshospitalet, Copenhagen University Hospital).